The following is an entry in ClinVar:

ClinVar aggregate classification (germline): Benign/Likely benign. Review status: criteria provided, multiple submitters, no conflicts (2 of 4 stars). 4 submissions from 4 submitters: Benign (3); Likely benign (1). Last evaluated 2025-12-23.

Allele frequency attached by ClinVar (database versions not stated): gnomAD exomes 0.00043 and 0.00104; ExAC 0.00132; gnomAD 0.00442 and 0.00473; TOPMed 0.00498; ESP Exome Variant Server 0.00500; 1000 Genomes Project 0.00519; 1000 Genomes Project 30x 0.00578.
gnomAD v4.1: 1,323 of 1,614,096 alleles (0.082%); highest among the groups gnomAD compares: African/African-American, 1.6%; 7 homozygotes.

Submissions (4):

Labcorp Genetics (formerly Invitae), Labcorp
Classification: Benign. Last evaluated: 2025-12-23. Review status: criteria provided, single submitter. Criteria: Invitae Variant Classification Sherloc (09022015). Collection method: clinical testing. Allele origin: germline.

Blueprint Genetics
Classification: Likely benign. Last evaluated: 2024-10-02. Review status: criteria provided, single submitter. Criteria: ACMG Guidelines, 2015. Collection method: clinical testing. Allele origin: germline.

CeGaT Center for Human Genetics Tuebingen
Classification: Benign. Last evaluated: 2022-12-01. Review status: criteria provided, single submitter. Criteria: CeGaT Center For Human Genetics Tuebingen Variant Classification Criteria Version 2. Collection method: clinical testing. Allele origin: germline. Affected: yes. Observed: 1 variant allele.
Comment: ANK3: BP4, BP7, BS1, BS2

Breakthrough Genomics
Classification: Benign. Review status: criteria provided, single submitter. Criteria: ACMG Guidelines, 2015. Collection method: not provided. Allele origin: germline. Inheritance: Autosomal recessive inheritance. Affected: yes.

NM_020987.5(ANK3):c.6621C>T (p.Pro2207=)

Gene: ANK3 (ankyrin 3; minus strand). Cytogenetic location: 10q21.2.
Variant type: single nucleotide variant.
Coding change: c.6621C>T on transcript NM_020987.5 (MANE Select); coding-DNA position 6621, C replaced by T.
Protein change: p.Pro2207=; no amino-acid change (proline 2207 retained).
Molecular consequence: synonymous variant. On other transcripts: intron variant (4).
Genome position (GRCh38, 1-based): chr10:60,074,260, G>A on the plus strand (C>T on the coding strand, the complement: ANK3 is on the minus strand). VCF-style: chr10-60074260-G-A. GRCh37 (hg19) VCF-style: chr10-61834018-G-A.
Other names: c.4388-6251C>T (NM_001204403.2); c.4409-6251C>T (NM_001204404.2); c.4406-6251C>T (NM_001320874.2); c.1808-6251C>T (NM_001149.4).
Identifiers: ClinVar variation 783574 (VCV000783574.35), dbSNP rs61732396, ClinGen allele CA5511848.